The following is an entry in ClinVar:

NM_000492.4(CFTR):c.4333G>A (p.Asp1445Asn)

Genes: CFTR (CF transmembrane conductance regulator; plus strand), LOC111674477 (CFTR intron 23 enhancer; plus strand). Cytogenetic location: 7q31.2.
Variant type: single nucleotide variant.
Coding change: c.4333G>A on transcript NM_000492.4 (MANE Select); coding-DNA position 4333, G replaced by A.
Protein change: p.Asp1445Asn; replaces aspartic acid 1445 with asparagine.
Molecular consequence: missense variant.
Genome position (GRCh38, 1-based): chr7:117,666,998, G>A. VCF-style: chr7-117666998-G-A. GRCh37 (hg19) VCF-style: chr7-117307052-G-A.
Other names: short protein forms D1445N.
Identifiers: ClinVar variation 53941 (VCV000053941.87), dbSNP rs148783445, ClinGen allele CA327479.
Genomic context (GRCh38, chr7:117,666,998, plus strand): 5'-GATTCCATCCAGAAACTGCTGAACGAGAGGAGCCTCTTCCGGCAAGCCATCAGCCCCTCC[G>A]ACAGGGTGAAGCTCTTTCCCCACCGGAACTCAAGCAAGTGCAAGTCTAAGCCCCAGATTG-3'
Protein context (NP_000483.3, residues 1435-1455): SLFRQAISPS[Asp1445Asn]RVKLFPHRNS

ClinVar aggregate classification (germline): Conflicting classifications of pathogenicity. Review status: criteria provided, conflicting classifications (1 of 4 stars). 15 submissions from 15 submitters: Uncertain significance (12); Likely benign (2). 1 of the submissions does not count toward it. Last evaluated 2026-07-05.

Conditions:
CFTR-related disorder (CFTR-RD). Also called: CFTR-related disorders; CFTR-related condition. Identifiers: MedGen C5924204, MONDO:7770004.
Cystic fibrosis (CF). Also called: MUCOVISCIDOSIS. Identifiers: Orphanet 586, MedGen C0010674, MONDO:0009061, OMIM 219700. Disease mechanism: loss of function.

Allele frequency attached by ClinVar (database versions not stated): gnomAD exomes 0.00015 and 0.00033; ExAC 0.00047; gnomAD 0.00072 and 0.00074; 1000 Genomes Project 30x 0.00094; ESP Exome Variant Server 0.00100; TOPMed 0.00100; 1000 Genomes Project 0.00120.
gnomAD v4.1: 359 of 1,613,872 alleles (0.022%); highest among the groups gnomAD compares: African/African-American, 0.2%; 1 homozygote.

Submissions 1 to 6 of 15:

PreventionGenetics, part of Exact Sciences
Classification: Uncertain significance for CFTR-related condition. Last evaluated: 2026-07-05. Review status: criteria provided, single submitter. Criteria: ACMG Guidelines, 2015. Collection method: clinical testing. Allele origin: germline.
Comment: The CFTR c.4333G>A variant is predicted to result in the amino acid substitution p.Asp1445Asn. This variant has been reported in individuals with cystic fibrosis or other CFTR-related disorders, although it is unclear if a second CFTR variant was present or if zygosity was known (see, for example, Claustres et al. 2000. PubMed ID: 10923036; Schrijver et al. 2005. PubMed ID: 15858154; Trujilliano et al. 2015. PubMed ID: 26436105; da Silva Filho et al. 2020. PubMed ID: 32819855; Zeigler et al. 2020. PubMed ID: 31665830). This variant has been reported in the heterozygous state in individuals with pancreatitis, without additional evidence to support its pathogenicity (Keiles et al. 2006. PubMed ID: 17003641; Masson et al. 2013. PubMed ID: 23951356). This variant has also been reported in an individual who had a normal sweat chloride test and also carried the common, pathogenic CFTR c.1521_1523delCTT (p.Phe508del) variant (Castellani et al. 2016. PubMed ID: 26755536). This variant is reported in 0.20% of alleles in individuals of African descent in gnomAD. At this time, the clinical significance of this variant is uncertain due to the absence of conclusive functional and genetic evidence.

Labcorp Genetics (formerly Invitae), Labcorp
Classification: Likely benign for Cystic fibrosis. Last evaluated: 2026-01-28. Review status: criteria provided, single submitter. Criteria: Invitae Variant Classification Sherloc (09022015). Collection method: clinical testing. Allele origin: germline.

GeneDx
Classification: Uncertain significance. Last evaluated: 2025-10-31. Review status: criteria provided, single submitter. Criteria: GeneDx Variant Classification Process June 2021. Collection method: clinical testing. Allele origin: germline. Affected: yes.
Comment: Observed in individuals with cystic fibrosis and other CFTR-related disorders, without a second CFTR variant reported (PMID: 15858154, 17003641, 10923036, 26436105); Observed with a pathogenic variant, phase unknown, in an infant without cystic fibrosis and a normal sweat chloride result (PMID: 26755536); Published functional studies are inconclusive: normal interaction with AMPK, the clinical significance of which is unknown (PMID: 10862786); In silico analysis suggests that this missense variant does not alter protein structure/function; This variant is associated with the following publications: (PMID: 25087612, 36468602, 34405919, 22995991, 23951356, 15858154, 26436105, 17003641, 25735457, 10923036, 19897426, 26847993, 32357917, 20722470, 34426522, 33946859, 31665830, 31682332, 34996830, 32819855, 37628659, 26990548, 31872980, 36409994, 38388235, 26755536, 10862786)

Quest Diagnostics Nichols Institute San Juan Capistrano
Classification: Uncertain significance. Last evaluated: 2025-09-05. Review status: criteria provided, single submitter. Criteria: Quest Diagnostics criteria. Collection method: clinical testing. Allele origin: unknown.
Comment: The CFTR c.4333G>A (p.Asp1445Asn) variant has been reported in the published literature in individuals affected with cystic fibrosis (CF) (PMIDs: 10923036 (2000), 15858154 (2005), 26436105 (2015), 32819855 (2020), 31665830 (2020), and 36409994 (2022)), pancreatitis (PMIDs: 17003641 (2006), and 23951356 (2013)), pulmonary disease (PMIDs: 20722470 (2010), 33432171 (2021), and 34996830 (2022)), and infertility (PMIDs: 31872980 (2020) and 32357917 (2020)). It also has been described along with a well-known pathogenic variant (F508del) in an infant who had a normal sweat chloride test (PMID: 26755536 (2016)). A functional study using yeast has shown that this variant does not interfere with AMPK interaction (PMID: 10862786 (2000)). Another study indicated that the variant results in reduced chloride channel conductance relative to wild type (approximately 46% of normal) with borderline response to pharmacological modulators (PMID: 38388235 (2024)), however, further studies are required to determine the global effect of this variant on CFTR function. The frequency of this variant in the general population (Genome Aggregation Database) is uninformative in the assessment of its pathogenicity. Based on the available information, we are unable to determine the clinical significance of this variant.

Women's Health and Genetics/Laboratory Corporation of America, LabCorp
Classification: Uncertain significance. Last evaluated: 2025-06-06. Review status: criteria provided, single submitter. Criteria: LabCorp Variant Classification Summary - May 2015. Collection method: clinical testing. Allele origin: germline.
Comment: Variant summary: CFTR c.4333G>A (p.Asp1445Asn) results in a conservative amino acid change in the encoded protein sequence. Algorithms developed to predict the effect of missense changes on protein structure and function are either unavailable or do not agree on the potential impact of this missense change. The variant allele was found at a frequency of 0.00022 in 1614418 control chromosomes, predominantly at a frequency of 0.002 within the African or African-American subpopulation in the gnomAD database, including 1 homozygote. This frequency is not significantly higher than estimated for a pathogenic variant in CFTR causing Cystic Fibrosis (0.00022 vs 0.013), allowing no conclusion about variant significance. c.4333G>A has been observed in individuals affected with or suspected to exhibit symptoms of Cystic Fibrosis and Cystic Fibrosis related disorders (e.g. Claustres_2000, Schrijver_2005, Trujilliano_2015, Zeigler_2020, da Silva Filho_2020, Salinas_2023). These reports do not provide unequivocal conclusions about association of the variant with Cystic Fibrosis. The variant has also been reported in compound heterozygosity with a well-known pathogenic mutation (CFTR F508del) in at least one infant who had a normal sweat chloride test (Castellani_2016). In addition, the variant has been reported in individuals affected with pancreatitis (Keiles_2006, Masson_2013), sarcoidosis (Makrythanasis_2010), and congenital unilateral absence of vas deferens (CUAVD; Mieusset_2019), but without strong evidence for causality. At least two publications report experimental evidence evaluating an impact on protein function (e.g. Hallows_2000, Bihler_2024). The most pronounced variant effect resulted in approximately 30% of normal chloride channel conductance relative to wild type (e.g., Bihler_2024). The following publications have been ascertained in the context of this evaluation (PMID: 22995991, 26755536, 32357917, 10923036, 10862786, 17003641, 26847993, 20722470, 26354092, 23951356, 33946859, 31872980, 19897426, 25735457, 15858154, 31682332, 25087612, 26436105, 31665830, 32819855, 38388235, 36409994). ClinVar contains an entry for this variant (Variation ID: 53941). Based on the evidence outlined above, the variant was classified as VUS-possibly pathogenic.

ARUP Laboratories, Molecular Genetics and Genomics, ARUP Laboratories
Classification: Uncertain significance. Last evaluated: 2025-05-13. Review status: criteria provided, single submitter. Criteria: ARUP Molecular Germline Variant Investigation Process 2024. Collection method: clinical testing. Allele origin: germline.
Comment: The CFTR c.4333G>A; p.Asp1445Asn variant (rs148783445, ClinVar Variation ID: 53941) is reported in the medical literature in individuals affected with cystic fibrosis or other CFTR-related disorders, but without clear association with disease (Castellani 2017, Claustres 2000, Keiles 2006, Masson 2013, Mieusset 2020, Picca 2010, Schrijver 2005, Zeiger 2020). This variant is found in the general population with an overall allele frequency of 0.038% (106/282286 alleles) in the Genome Aggregation Database (v2.1.1). Computational analyses are uncertain whether this variant is neutral or deleterious (REVEL: 0.537). However, given the lack of specific clinical and functional data, the significance of the p.Asp1445Asn variant is uncertain at this time. References: Castellani C et al. Sweat chloride and immunoreactive trypsinogen in infants carrying two CFTR mutations and not affected by cystic fibrosis. Arch Dis Child. 2017 Jul;102(7):644-646. PMID: 26755536. Claustres M et al. Spectrum of CFTR mutations in cystic fibrosis and in congenital absence of the vas deferens in France. Hum Mutat. 2000;16(2):143-56. PMID: 10923036. Keiles S et al. Identification of CFTR, PRSS1, and SPINK1 mutations in 381 patients with pancreatitis. Pancreas. 2006 Oct;33(3):221-7. PMID: 17003641. Masson E et al. A Conservative Assessment of the Major Genetic Causes of Idiopathic Chronic Pancreatitis: Data from a Comprehensive Analysis of PRSS1, SPINK1, CTRC and CFTR Genes in 253 Young French Patients. PLoS One. 2013; 8(8): e73522. PMID: 23951356. Mieusset R et al. Male partners of infertile couples with congenital unilateral absence of the vas deferens are mainly non-azoospermic. Andrology. 2020 May;8(3):645-653. PMID: 31872980. Picci L et al. A 10-year large-scale cystic fibrosis carrier screening in the Italian population. J Cyst Fibros. 2010 Jan;9(1):29-35. PMID: 19897426. Schrijver I et al. Diagnostic Testing by CFTR Gene Mutation Analysis in a Large Group of Hispanics. J Mol Diagn. 2005 May; 7(2): 289â€“299. PMID: 15858154. Zeiger AM et al. Identification of CFTR variants in Latino patients with cystic fibrosis from the Dominican Republic and Puerto Rico. Pediatr Pulmonol. 2020 Feb;55(2):533-540. PMID: 31665830.